The following is an entry in ClinVar:

NM_001035.3(RYR2):c.14639T>C (p.Val4880Ala)

Gene: RYR2 (ryanodine receptor 2; plus strand). Cytogenetic location: 1q43.
Variant type: single nucleotide variant.
Coding change: c.14639T>C on transcript NM_001035.3 (MANE Select); coding-DNA position 14639, T replaced by C.
Protein change: p.Val4880Ala; replaces valine 4880 with alanine.
Molecular consequence: missense variant.
Genome position (GRCh38, 1-based): chr1:237,828,429, T>C. VCF-style: chr1-237828429-T-C. GRCh37 (hg19) VCF-style: chr1-237991729-T-C.
Other names: short protein forms V4880A.
Identifiers: ClinVar variation 4746934 (VCV004746934.1).

ClinVar aggregate classification (germline): Likely pathogenic (1 of 4 stars; one submission).

Conditions:
Catecholaminergic polymorphic ventricular tachycardia 1. Also called: VENTRICULAR TACHYCARDIA, CATECHOLAMINERGIC POLYMORPHIC, 1, WITH OR WITHOUT ATRIAL DYSFUNCTION AND/OR DILATED CARDIOMYOPATHY; RYR2-Related Catecholaminergic Polymorphic Ventricular Tachycardia; VENTRICULAR TACHYCARDIA, STRESS-INDUCED POLYMORPHIC 1. Identifiers: Orphanet 3286, MedGen C1631597, MONDO:0011484, OMIM 604772.

Submission:

Labcorp Genetics (formerly Invitae), Labcorp
Classification: Likely pathogenic for Catecholaminergic polymorphic ventricular tachycardia 1. Last evaluated: 2025-05-27. Review status: criteria provided, single submitter. Criteria: Invitae Variant Classification Sherloc (09022015). Collection method: clinical testing. Allele origin: germline.
Comment: This sequence change replaces valine, which is neutral and non-polar, with alanine, which is neutral and non-polar, at codon 4880 of the RYR2 protein (p.Val4880Ala). This variant is not present in population databases (gnomAD no frequency). This missense change has been observed in individual(s) with catecholaminergic polymorphic ventricular tachycardia (PMID: 15131021). Invitae Evidence Modeling of protein sequence and biophysical properties (such as structural, functional, and spatial information, amino acid conservation, physicochemical variation, residue mobility, and thermodynamic stability) indicates that this missense variant is expected to disrupt RYR2 protein function with a positive predictive value of 95%. Experimental studies have shown that this missense change affects RYR2 function (PMID: 27789712, 35595836). This variant disrupts the p.Val4880 amino acid residue in RYR2. Other variant(s) that disrupt this residue have been determined to be pathogenic (internal data). This suggests that this residue is clinically significant, and that variants that disrupt this residue are likely to be disease-causing. In summary, the currently available evidence indicates that the variant is pathogenic, but additional data are needed to prove that conclusively. Therefore, this variant has been classified as Likely Pathogenic.

Literature cited by the submitters: PubMed 15131021; PubMed 27789712; PubMed 35595836.